The following is an entry in ClinVar:

NM_001267550.2(TTN):c.96350dup (p.Ser32118fs)

Genes: TTN (titin; minus strand), TTN-AS1 (TTN antisense RNA 1; plus strand), LOC126806421 (CDK7 strongly-dependent group 2 enhancer GRCh37_chr2:179407630-179408829; plus strand). Cytogenetic location: 2q31.2.
Variant type: Duplication.
Coding change: c.96350dup on transcript NM_001267550.2 (MANE Select); coding-DNA position 96350, one base duplicated (T; older notation c.96350dupT).
Protein change: p.Ser32118fs; shifts the reading frame from serine 32118.
Molecular consequence: frameshift variant.
Genome position (GRCh38, 1-based): chr2:178,543,623, A duplicated on the plus strand (T on the coding strand, the reverse complement: TTN is on the minus strand). VCF-style (leftmost placement, unchanged base first): chr2-178543622-T-TA. GRCh37 (hg19) VCF-style: chr2-179408349-T-TA.
Other names: c.91427dup, p.Ser30477fs (NM_001256850.1); c.69155dup, p.Ser23053fs (NM_003319.4); c.88646dup, p.Ser29550fs (NM_133378.4); c.69530dup, p.Ser23178fs (NM_133432.3); c.69731dup, p.Ser23245fs (NM_133437.4); c.69155dupT (NM_003319.4); short protein forms S29550fs, S23053fs, S32118fs, S23178fs, S23245fs, S30477fs.
Identifiers: ClinVar variation 4824751 (VCV004824751.1).
Genomic context (GRCh38, chr2:178,543,622, plus strand): 5'-GACTGGAGCTCCACCATCAATCGTGGGAATTTCCCAAGTTATAGTCACAGAATCTCTTGA[T>TA]ACTTCCTTAACTTTCACTGAAGGACAGGGACCAGGAGTATCTGAAAAACAGAATGAAAGA-3'

ClinVar aggregate classification (germline): Likely pathogenic (1 of 4 stars; one submission).

Conditions:
Cardiovascular phenotype. Identifiers: MedGen CN230736.

Submission:

Ambry Genetics
Classification: Likely pathogenic for Cardiovascular phenotype. Last evaluated: 2026-02-16. Review status: criteria provided, single submitter. Criteria: Ambry Variant Classification Scheme 2023. Collection method: clinical testing. Allele origin: germline.
Comment: The c.69155dupT variant, located in coding exon 174 of the TTN gene, results from a duplication of T at nucleotide position 69155, causing a translational frameshift with a predicted alternate stop codon (p.S23053Ifs*15). This exon is located in the A-band region of the N2-B isoform of the titin protein and is constitutively expressed in TTN transcripts (percent spliced in or PSI 100%). This variant is considered to be rare based on population cohorts in the Genome Aggregation Database (gnomAD). This variant is expected to result in loss of function by premature protein truncation or nonsense-mediated mRNA decay. While truncating variants in TTN are present in 1-3% of the general population, truncating variants in the A-band are the most common cause of dilated cardiomyopathy (Herman DS et al. N. Engl. J. Med., 2012 Feb;366:619-28; Roberts AM et al. Sci Transl Med, 2015 Jan;7:270ra6). TTN truncating variants encoded in constitutive exons (PSI >90%) have been found to be significantly associated with DCM regardless of their position in titin (Schafer S et al. Nat. Genet., 2017 01;49:46-53; Akhtar MM et al. Circ Heart Fail, 2020 Oct;13:e006832; Massier M et al. Clin Genet, 2025 Jan). Based on the majority of available evidence to date, this variant is likely to be pathogenic.